The following is an entry in ClinVar:

NM_014334.4(FRRS1L):c.-78G>T

Gene: FRRS1L (ferric chelate reductase 1 like; minus strand). Cytogenetic location: 9q31.3.
Variant type: single nucleotide variant.
Coding change: c.-78G>T on transcript NM_014334.4 (MANE Select); 78 bases upstream of the start codon, G replaced by T.
Molecular consequence: 5 prime UTR variant.
Genome position (GRCh38, 1-based): chr9:109,167,216, C>A on the plus strand (G>T on the coding strand, the complement: FRRS1L is on the minus strand). VCF-style: chr9-109167216-C-A. GRCh37 (hg19) VCF-style: chr9-111929496-C-A.
Identifiers: ClinVar variation 810405 (VCV000810405.45), dbSNP rs1310777849, ClinGen allele CA374430987.
Genomic context (GRCh38, chr9:109,167,216, plus strand): 5'-GCAGCCAGGCCGCTCGGGCCGCAGCGGGGGCGCCGCGGGCGCGGGCCGGGACTGAGCCTC[C>A]GCCGAGGCCACCAGCACGCGCCCGCGCAGCCGCGGAGCCTCCCGCACCCCCGCCTCCCTG-3'

ClinVar aggregate classification (germline): Pathogenic/Likely pathogenic. Review status: criteria provided, multiple submitters, no conflicts (2 of 4 stars). 2 submissions from 2 submitters: Pathogenic (1); Likely pathogenic (1). Last evaluated 2023-12-04.

Conditions:
Developmental and epileptic encephalopathy, 37 (DEE37). Also called: Epileptic encephalopathy, early infantile, 37. Identifiers: MedGen C4310770, MONDO:0014859, OMIM 616981.

Allele frequency attached by ClinVar (database versions not stated): gnomAD 0.00001; TOPMed 0.00001.
gnomAD v4.1: 3 of 1,332,788 alleles (0.00023%); highest among the groups gnomAD compares: African/African-American, 0.0031%; no homozygotes.

Submissions (2):

Labcorp Genetics (formerly Invitae), Labcorp
Classification: Pathogenic for Developmental and epileptic encephalopathy, 37. Last evaluated: 2023-12-04. Review status: criteria provided, single submitter. Criteria: Invitae Variant Classification Sherloc (09022015). Collection method: clinical testing. Allele origin: germline.
Comment: This sequence change creates a premature translational stop signal (p.Gly26*) in the FRRS1L gene. It is expected to result in an absent or disrupted protein product. Loss-of-function variants in FRRS1L are known to be pathogenic (PMID: 27236917). This variant is not present in population databases (gnomAD no frequency). This variant has not been reported in the literature in individuals affected with FRRS1L-related conditions. ClinVar contains an entry for this variant (Variation ID: 810405). For these reasons, this variant has been classified as Pathogenic.

CeGaT Center for Human Genetics Tuebingen
Classification: Likely pathogenic. Last evaluated: 2018-10-01. Review status: criteria provided, single submitter. Criteria: CeGaT Center For Human Genetics Tuebingen Variant Classification Criteria Version 2. Collection method: clinical testing. Allele origin: germline. Affected: yes. Observed: 1 variant allele.

Literature cited by the submitters: PubMed 27236917 (cited by Labcorp Genetics (formerly Invitae), Labcorp).